The following is an entry in ClinVar:

ClinVar aggregate classification (germline): Uncertain significance (1 of 4 stars; one submission).

Conditions:
Inborn genetic diseases. Identifiers: MedGen C0950123, MeSH D030342.

Submission:

Ambry Genetics
Classification: Uncertain significance for Inborn genetic diseases. Last evaluated: 2025-02-15. Review status: criteria provided, single submitter. Criteria: Ambry Variant Classification Scheme 2023. Collection method: clinical testing. Allele origin: germline.
Comment: The p.R710K variant (also known as c.2129G>A), located in coding exon 23 of the FANCA gene, results from a G to A substitution at nucleotide position 2129. The arginine at codon 710 is replaced by lysine, an amino acid with highly similar properties. This amino acid position is conserved. In addition, this alteration is predicted to be tolerated by in silico analysis. Based on the available evidence, the clinical significance of this variant remains unclear.

NM_000135.4(FANCA):c.2129G>A (p.Arg710Lys)

Gene: FANCA (FA complementation group A; minus strand). Cytogenetic location: 16q24.3.
Variant type: single nucleotide variant.
Coding change: c.2129G>A on transcript NM_000135.4 (MANE Select); coding-DNA position 2129, G replaced by A.
Protein change: p.Arg710Lys; replaces arginine 710 with lysine.
Molecular consequence: missense variant.
Genome position (GRCh38, 1-based): chr16:89,771,700, C>T on the plus strand (G>A on the coding strand, the complement: FANCA is on the minus strand). VCF-style: chr16-89771700-C-T. GRCh37 (hg19) VCF-style: chr16-89838108-C-T.
Other names: c.2129G>A, p.Arg710Lys (NM_001286167.3); short protein forms R710K.
Identifiers: ClinVar variation 3848240 (VCV003848240.1).
Genomic context (GRCh38, chr16:89,771,700, plus strand): 5'-TGAAGACCCCCTGCTTTGTTCTGAGCCCCTACACCTACCATGTGTTCCCGTGGCTCCAGT[C>T]TCGGCGTGTTGATGCTGAGCTGAATCTTTGATATCTCAACGCTGCTGTCATCCTCATTGT-3'
Protein context (NP_000126.2, residues 700-720): SKIQLSINTP[Arg710Lys]LEPREHMAVD